The following is an entry in ClinVar:

NM_004408.4(DNM1):c.618G>C (p.Lys206Asn)

Gene: DNM1 (dynamin 1; plus strand). Cytogenetic location: 9q34.11.
Variant type: single nucleotide variant.
Coding change: c.618G>C on transcript NM_004408.4 (MANE Select); coding-DNA position 618, G replaced by C.
Protein change: p.Lys206Asn; replaces lysine 206 with asparagine.
Molecular consequence: missense variant.
Genome position (GRCh38, 1-based): chr9:128,220,016, G>C. VCF-style: chr9-128220016-G-C. GRCh37 (hg19) VCF-style: chr9-130982295-G-C.
Other names: c.618G>C, p.Lys206Asn (NM_001005336.3, NM_001288737.2, NM_001288738.2 and 1 more transcripts); short protein forms K206N.
Identifiers: ClinVar variation 156558 (VCV000156558.3), dbSNP rs587777861, ClinGen allele CA170927.
Genomic context (GRCh38, chr9:128,220,016, plus strand): 5'-GCTGTAGACGGCCCTCCTGCTGGTGCACCCAGGCCAGCGCACCATCGGGGTCATCACCAA[G>C]CTGGACCTGATGGACGAGGGCACAGATGCCCGTGATGTGCTGGAGAACAAGCTGCTCCCC-3'
Protein context (NP_004399.2, residues 196-216): QGQRTIGVIT[Lys206Asn]LDLMDEGTDA

ClinVar aggregate classification (germline): Pathogenic. Review status: criteria provided, single submitter (1 of 4 stars). 2 submissions from 2 submitters: Pathogenic (1). 1 of the submissions does not count toward it. Last evaluated 2023-12-05.

Conditions:
Developmental and epileptic encephalopathy, 31A. Also called: Epileptic encephalopathy, early infantile, 31; Developmental and epileptic encephalopathy, 31. Identifiers: Orphanet 2382, MedGen C4225357, MONDO:0014598, OMIM 616346.

Submissions (2):

GeneDx
Classification: Pathogenic. Last evaluated: 2023-12-05. Review status: criteria provided, single submitter. Criteria: GeneDx Variant Classification Process June 2021. Collection method: clinical testing. Allele origin: germline. Affected: yes.
Comment: Published functional studies demonstrate inhibition of transferrin uptake, abnormal protein aggregation and distribution, and decrease of basal protein levels (PMID: 27066543); In silico analysis supports that this missense variant has a deleterious effect on protein structure/function; Not observed at significant frequency in large population cohorts (gnomAD); This variant is associated with the following publications: (PMID: 29397573, 25262651, 37900685, 29186148, 30174244, 26611353, 28667181, 23934111, 27066543)

OMIM
Classification: Pathogenic for DEVELOPMENTAL AND EPILEPTIC ENCEPHALOPATHY 31A. Last evaluated: 2014-10-02. Review status: no assertion criteria provided. Collection method: literature only. Allele origin: germline. Not counted in ClinVar's aggregate classification.

Literature cited by the submitters: PubMed 25262651 (cited by OMIM); PubMed 27066543 (cited by OMIM).